The following is an entry in ClinVar:

ClinVar aggregate classification (germline): Conflicting classifications of pathogenicity. Review status: criteria provided, conflicting classifications (1 of 4 stars). 2 submissions from 2 submitters: Pathogenic (1); Uncertain significance (1). Last evaluated 2023-04-13.

Conditions:
Gorlin syndrome. Also called: Nevoid Basal Cell Carcinoma Syndrome; Basal cell nevus syndrome. Identifiers: Orphanet 377, MedGen C0004779, MONDO:0007187.

Submissions (2):

Blueprint Genetics
Classification: Uncertain significance. Last evaluated: 2023-04-13. Review status: criteria provided, single submitter. Criteria: ACMG Guidelines, 2015. Collection method: clinical testing. Allele origin: germline.

Labcorp Genetics (formerly Invitae), Labcorp
Classification: Pathogenic for Gorlin syndrome. Last evaluated: 2021-10-27. Review status: criteria provided, single submitter. Criteria: Invitae Variant Classification Sherloc (09022015). Collection method: clinical testing. Allele origin: germline.
Comment: This variant has been observed in individuals with clinical features of basal cell nevus syndrome (Invitae). For these reasons, this variant has been classified as Pathogenic. This variant disrupts a region of the PTCH1 protein in which other variant(s) (p.Gly511Arg) have been determined to be pathogenic (Invitae). This suggests that this is a clinically significant region of the protein, and that variants that disrupt it are likely to be disease-causing. Experimental studies and prediction algorithms are not available or were not evaluated, and the functional significance of this variant is currently unknown. This variant is not present in population databases (gnomAD no frequency). This variant, c.1530_1535del, results in the deletion of 2 amino acid(s) of the PTCH1 protein (p.Gly511_Val512del), but otherwise preserves the integrity of the reading frame.

NM_000264.5(PTCH1):c.1524TGGTGT[1] (p.509GV[1])

Gene: PTCH1 (patched 1; minus strand). Cytogenetic location: 9q22.32.
Variant type: Microsatellite.
Coding change: c.1524TGGTGT[1] on transcript NM_000264.5 (MANE Select); one copy of the 6-base unit TGGTGT starting at c.1524; the reference has two copies in a row; one copy, 6 bases deleted.
Protein change: p.509GV[1].
Molecular consequence: inframe deletion. On other transcripts: non-coding transcript variant (1).
Genome position (GRCh38, 1-based): chr9:95,476,826-95,476,831, ACACCA deleted on the plus strand (TGGTGT on the coding strand, the reverse complement: PTCH1 is on the minus strand); deleting any 6 consecutive bases within chr9:95,476,826-95,476,838 gives the same sequence; the position shown is the placement nearest the transcript's 3' end. VCF-style (leftmost placement, unchanged base first): chr9-95476825-CACACCA-C. GRCh37 (hg19) VCF-style: chr9-98239107-CACACCA-C.
Other names: c.1326TGGTGT[1], p.443GV[1] (NM_001083602.3); c.1521TGGTGT[1], p.508GV[1] (NM_001083603.3); c.1071TGGTGT[1], p.358GV[1] (NM_001083604.3, NM_001083605.3, NM_001083606.3 and 1 more transcripts); c.1368TGGTGT[1], p.457GV[1] (NM_001354918.2).
Identifiers: ClinVar variation 1020298 (VCV001020298.8), dbSNP rs1841077120, ClinGen allele CA1865644593.